The following is an entry in ClinVar:

ClinVar aggregate classification (germline): Uncertain significance (1 of 4 stars; one submission).

Submission:

Women's Health and Genetics/Laboratory Corporation of America, LabCorp
Classification: Uncertain significance. Last evaluated: 2026-06-01. Review status: criteria provided, single submitter. Criteria: LabCorp Variant Classification Summary - May 2015. Collection method: clinical testing. Allele origin: germline.
Comment: Variant summary: TTN c.32072C>A (p.Pro10691Gln) results in a non-conservative amino acid change in the encoded protein sequence. Algorithms developed to predict the effect of missense changes on protein structure and function are either unavailable or do not agree on the potential impact of this missense change. The variant was absent in 237092 control chromosomes. The available data on variant occurrences in the general population are insufficient to allow any conclusion about variant significance. To our knowledge, no occurrence of c.32072C>A in individuals affected with TTN-related conditions and no experimental evidence demonstrating its impact on protein function have been reported. No submitters have cited clinical-significance assessments for this variant to ClinVar. Based on the evidence outlined above, the variant was classified as uncertain significance.

NM_001267550.2(TTN):c.39374C>A (p.Pro13125Gln)

Gene: TTN (titin; minus strand). Cytogenetic location: 2q31.2.
Variant type: single nucleotide variant.
Coding change: c.39374C>A on transcript NM_001267550.2 (MANE Select); coding-DNA position 39374, C replaced by A.
Protein change: p.Pro13125Gln; replaces proline 13125 with glutamine.
Molecular consequence: missense variant. On other transcripts: intron variant (3).
Genome position (GRCh38, 1-based): chr2:178,651,889, G>T on the plus strand (C>A on the coding strand, the complement: TTN is on the minus strand). VCF-style: chr2-178651889-G-T. GRCh37 (hg19) VCF-style: chr2-179516616-G-T.
Other names: c.34853C>A, p.Pro11618Gln (NM_001256850.1); c.32072C>A, p.Pro10691Gln (NM_133378.4); c.13283-9572C>A (NM_003319.4); c.13859-9572C>A (NM_133437.4); c.13658-9572C>A (NM_133432.3); short protein forms P10691Q, P11618Q, P13125Q.
Identifiers: ClinVar variation 4887628 (VCV004887628.1).